The following is an entry in ClinVar:

ClinVar aggregate classification (germline): Conflicting classifications of pathogenicity. Review status: criteria provided, conflicting classifications (1 of 4 stars). 4 submissions from 4 submitters: Uncertain significance (3); Benign (1). Last evaluated 2025-12-15.

Conditions:
MEN1-related disorder. Also called: MEN1-related condition.
Hereditary cancer-predisposing syndrome. Also called: Tumor predisposition; Neoplastic Syndromes, Hereditary; Hereditary Cancer Syndrome; Hereditary neoplastic syndrome. Identifiers: Orphanet 140162, MedGen C0027672, MeSH D009386, MONDO:0015356.
Multiple endocrine neoplasia, type 1 (MEN1). Also called: MEN I; WERMER SYNDROME; Endocrine adenomatosis multiple; MEN 1; MEA I. Identifiers: Orphanet 652, MedGen C0025267, MeSH D018761, MONDO:0007540, OMIM 131100.

Allele frequency attached by ClinVar (database versions not stated): TOPMed below 0.00001.
gnomAD v4.1: 1 of 1,614,166 alleles (0.000062%); highest among the groups gnomAD compares: Non-Finnish European, 0.000085%; no homozygotes.

Submissions (4):

Labcorp Genetics (formerly Invitae), Labcorp
Classification: Benign for Multiple endocrine neoplasia, type 1. Last evaluated: 2025-12-15. Review status: criteria provided, single submitter. Criteria: Invitae Variant Classification Sherloc (09022015). Collection method: clinical testing. Allele origin: germline.

Ambry Genetics
Classification: Uncertain significance for Hereditary cancer-predisposing syndrome. Last evaluated: 2023-08-22. Review status: criteria provided, single submitter. Criteria: Ambry Variant Classification Scheme 2023. Collection method: clinical testing. Allele origin: germline.
Comment: The p.M228V variant (also known as c.682A>G), located in coding exon 3 of the MEN1 gene, results from an A to G substitution at nucleotide position 682. The methionine at codon 228 is replaced by valine, an amino acid with highly similar properties. This amino acid position is well conserved in available vertebrate species. In addition, the in silico prediction for this alteration is inconclusive. Since supporting evidence is limited at this time, the clinical significance of this alteration remains unclear.

Baylor Genetics
Classification: Uncertain significance for Multiple Endocrine Neoplasia Type 1. Last evaluated: 2023-07-29. Review status: criteria provided, single submitter. Criteria: ACMG Guidelines, 2015. Collection method: clinical testing. Allele origin: unknown.

PreventionGenetics, part of Exact Sciences
Classification: Uncertain significance for MEN1-related condition. Last evaluated: 2023-03-20. Review status: criteria provided, single submitter. Criteria: ACMG Guidelines, 2015. Collection method: clinical testing. Allele origin: germline.
Comment: The MEN1 c.697A>G variant is predicted to result in the amino acid substitution p.Met233Val. To our knowledge, this variant has not been reported in the literature or in a large population database, indicating this variant is rare. It is interpreted as uncertain significance in ClinVar. At this time, the clinical significance of this variant is uncertain due to the absence of conclusive functional and genetic evidence.

NM_001370259.2(MEN1):c.682A>G (p.Met228Val)

Gene: MEN1 (menin 1; minus strand). Cytogenetic location: 11q13.1.
Variant type: single nucleotide variant.
Coding change: c.682A>G on transcript NM_001370259.2 (MANE Select); coding-DNA position 682, A replaced by G.
Protein change: p.Met228Val; replaces methionine 228 with valine.
Molecular consequence: missense variant.
Genome position (GRCh38, 1-based): chr11:64,807,653, T>C on the plus strand (A>G on the coding strand, the complement: MEN1 is on the minus strand). VCF-style: chr11-64807653-T-C. GRCh37 (hg19) VCF-style: chr11-64575125-T-C.
Other names: c.697A>G (NM_000244.3); c.697A>G, p.Met233Val (NM_000244.4, NM_130800.3, NM_130801.3 and 3 more transcripts); c.682A>G, p.Met228Val (NM_001370251.2, NM_001370260.2, NM_001370261.2 and 1 more transcripts); c.577A>G, p.Met193Val (NM_001370262.2, NM_001370263.2); short protein forms M228V, M233V, M193V.
Identifiers: ClinVar variation 403826 (VCV000403826.17), dbSNP rs1060499982, ClinGen allele CA16613629.